The following is an entry in ClinVar:

ClinVar aggregate classification (germline): Uncertain significance. Review status: criteria provided, multiple submitters, no conflicts (2 of 4 stars). 2 submissions from 2 submitters: Uncertain significance (2). Last evaluated 2025-11-03.

Conditions:
Inborn genetic diseases. Identifiers: MedGen C0950123, MeSH D030342.
Mucopolysaccharidosis, MPS-III-C (MPS3C). Also called: MPS IIIC (Sanfilippo Syndrome Type C); MUCOPOLYSACCHARIDOSIS, TYPE IIIC; Mucopolysaccharidosis type IIIC (Sanfilippo C); mucopolysaccharidosis type 3C; SANFILIPPO SYNDROME C; MPS III C. Identifiers: Orphanet 581, Orphanet 79271, MedGen C0086649, MONDO:0009657, OMIM 252930.
Retinitis pigmentosa 73 (RP73). Identifiers: Orphanet 791, MedGen C4225287, MONDO:0014687, OMIM 616544.

gnomAD v4.1: 10 of 1,613,072 alleles (0.00062%); highest among the groups gnomAD compares: Non-Finnish European, 0.00085%; no homozygotes.

Submissions (2):

Ambry Genetics
Classification: Uncertain significance for Inborn genetic diseases. Last evaluated: 2025-11-03. Review status: criteria provided, single submitter. Criteria: Ambry Variant Classification Scheme 2023. Collection method: clinical testing. Allele origin: germline.

Labcorp Genetics (formerly Invitae), Labcorp
Classification: Uncertain significance for Retinitis pigmentosa 73; Mucopolysaccharidosis, MPS-III-C. Last evaluated: 2021-09-01. Review status: criteria provided, single submitter. Criteria: Invitae Variant Classification Sherloc (09022015). Collection method: clinical testing. Allele origin: germline.
Comment: This sequence change replaces isoleucine with threonine at codon 172 of the HGSNAT protein (p.Ile172Thr). The isoleucine residue is weakly conserved and there is a moderate physicochemical difference between isoleucine and threonine. This variant is not present in population databases (ExAC no frequency). This variant has not been reported in the literature in individuals affected with HGSNAT-related conditions. Algorithms developed to predict the effect of missense changes on protein structure and function output the following: SIFT: "Tolerated"; PolyPhen-2: "Benign"; Align-GVGD: "Class C0". The threonine amino acid residue is found in multiple mammalian species, which suggests that this missense change does not adversely affect protein function. In summary, the available evidence is currently insufficient to determine the role of this variant in disease. Therefore, it has been classified as a Variant of Uncertain Significance.

NM_152419.3(HGSNAT):c.515T>C (p.Ile172Thr)

Gene: HGSNAT (heparan-alpha-glucosaminide N-acetyltransferase; plus strand). Cytogenetic location: 8p11.21.
Variant type: single nucleotide variant.
Coding change: c.515T>C on transcript NM_152419.3 (MANE Select); coding-DNA position 515, T replaced by C.
Protein change: p.Ile172Thr; replaces isoleucine 172 with threonine.
Molecular consequence: missense variant. On other transcripts: 5 prime UTR variant (1).
Genome position (GRCh38, 1-based): chr8:43,161,459, T>C. VCF-style: chr8-43161459-T-C. GRCh37 (hg19) VCF-style: chr8-43016602-T-C.
Other names: c.515T>C (NM_152419.2); c.515T>C, p.Ile172Thr (NM_001363227.2, NM_001363228.2); c.-319T>C (NM_001363229.2); short protein forms I172T.
Identifiers: ClinVar variation 1008113 (VCV001008113.3), dbSNP rs750046807, ClinGen allele CA371115773.